The following is an entry in ClinVar:

ClinVar aggregate classification (germline): Uncertain significance (1 of 4 stars; one submission).

Submission:

Women's Health and Genetics/Laboratory Corporation of America, LabCorp
Classification: Uncertain significance. Last evaluated: 2024-04-22. Review status: criteria provided, single submitter. Criteria: LabCorp Variant Classification Summary - May 2015. Collection method: clinical testing. Allele origin: germline.
Comment: Variant summary: CHST6 c.231G>C (p.Trp77Cys) results in a non-conservative amino acid change located in the Sulfotransferase domain (IPR000863) of the encoded protein sequence. Five of five in-silico tools predict a damaging effect of the variant on protein function. The variant was absent in 248788 control chromosomes. The available data on variant occurrences in the general population are insufficient to allow any conclusion about variant significance. c.231G>C has been reported in the literature as a heterozygous genotype in an individual affected with Macular Corneal Dystrophy (examle, Aldave_2004). These report(s) do not provide unequivocal conclusions about association of the variant with Macular Corneal Dystrophy. To our knowledge, no experimental evidence demonstrating an impact on protein function has been reported. The following publications have been ascertained in the context of this evaluation (PMID: 15013869, 33987320, 32472422, 30716718). No submitters have cited clinical-significance assessments for this variant to ClinVar. Based on the evidence outlined above, the variant was classified as uncertain significance.

Literature cited by the submitters: PubMed 32472422; PubMed 30716718; PubMed 15013869; PubMed 33987320.

NM_021615.5(CHST6):c.231G>C (p.Trp77Cys)

Gene: CHST6 (carbohydrate sulfotransferase 6; minus strand). Cytogenetic location: 16q23.1.
Variant type: single nucleotide variant.
Coding change: c.231G>C on transcript NM_021615.5 (MANE Select); coding-DNA position 231, G replaced by C.
Protein change: p.Trp77Cys; replaces tryptophan 77 with cysteine.
Molecular consequence: missense variant.
Genome position (GRCh38, 1-based): chr16:75,479,598, C>G on the plus strand (G>C on the coding strand, the complement: CHST6 is on the minus strand). VCF-style: chr16-75479598-C-G. GRCh37 (hg19) VCF-style: chr16-75513496-C-G.
Other names: short protein forms W77C.
Identifiers: ClinVar variation 3251819 (VCV003251819.1), dbSNP rs1412910699.
Genomic context (GRCh38, chr16:75,479,598, plus strand): 5'-GCGCACCAGGTCGCGCACAGCCATGTGCAGCGTTGCGGCGCTGCCCTGCGACAGGGTGGT[C>G]CACACGTGCCACGCGGGCTCCATTAGGTAGAAGACGTCGGGGTGCTGGTTGAAGAGTTGG-3'
Protein context (NP_067628.1, residues 67-87): FYLMEPAWHV[Trp77Cys]TTLSQGSAAT